The following is an entry in ClinVar:

NM_000254.3(MTR):c.2043+10A>G

Gene: MTR (5-methyltetrahydrofolate-homocysteine methyltransferase; plus strand). Cytogenetic location: 1q43.
Variant type: single nucleotide variant.
Coding change: c.2043+10A>G on transcript NM_000254.3 (MANE Select); 10 bases into the intron after coding-DNA position 2043, A replaced by G.
Molecular consequence: intron variant.
Genome position (GRCh38, 1-based): chr1:236,859,932, A>G. VCF-style: chr1-236859932-A-G. GRCh37 (hg19) VCF-style: chr1-237023232-A-G.
Other names: c.2043+10A>G (NM_001291939.1); c.822+10A>G (NM_001291940.2).
Identifiers: ClinVar variation 510591 (VCV000510591.10), dbSNP rs375005444, ClinGen allele CA1474248.
Genomic context (GRCh38, chr1:236,859,932, plus strand): 5'-GAGTGGAGAAATGGCCCTGTCGAAGAACGCCTTGAGTATGCCCTTGTGAAGGTAAGTTAC[A>G]GGGGCCTGAACTGGAGGGCTGGAGGCTCATCATGGCTGACTGATCCTGTTGTGGGCGGTG-3'

ClinVar aggregate classification (germline): Likely benign. Review status: criteria provided, multiple submitters, no conflicts (2 of 4 stars). 4 submissions from 4 submitters: Likely benign (4). Last evaluated 2026-01-26.

Conditions:
Methylcobalamin deficiency type cblG (HMAG). Also called: HOMOCYSTINURIA-MEGALOBLASTIC ANEMIA DUE TO DEFECT IN COBALAMIN METABOLISM, cblG COMPLEMENTATION TYPE; HOMOCYSTINURIA-MEGALOBLASTIC ANEMIA, cblG TYPE; HOMOCYSTINURIA-MEGALOBLASTIC ANEMIA, cblG COMPLEMENTATION TYPE; Functional methionine synthase deficiency type cblG. Identifiers: Orphanet 2170, Orphanet 622, MedGen C1855128, MONDO:0009609, OMIM 250940.
MTR-related disorder. Also called: MTR-related condition.

Allele frequency attached by ClinVar (database versions not stated): ExAC 0.00007; gnomAD exomes 0.00008 and 0.00009; TOPMed 0.00008; gnomAD 0.00012 and 0.00013; ESP Exome Variant Server 0.00015.
gnomAD v4.1: 126 of 1,612,248 alleles (0.0078%); highest among the groups gnomAD compares: Non-Finnish European, 0.01%; no homozygotes.

Submissions (4):

Labcorp Genetics (formerly Invitae), Labcorp
Classification: Likely benign for Methylcobalamin deficiency type cblG. Last evaluated: 2026-01-26. Review status: criteria provided, single submitter. Criteria: Invitae Variant Classification Sherloc (09022015). Collection method: clinical testing. Allele origin: germline.

PreventionGenetics, part of Exact Sciences
Classification: Likely benign for MTR-related condition. Last evaluated: 2025-09-26. Review status: criteria provided, single submitter. Criteria: ACMG Guidelines, 2015. Collection method: clinical testing. Allele origin: germline.
Comment: This variant is classified as likely benign based on ACMG/AMP sequence variant interpretation guidelines (Richards et al. 2015 PMID: 25741868, with internal and published modifications).

Blueprint Genetics
Classification: Likely benign. Last evaluated: 2024-08-29. Review status: criteria provided, single submitter. Criteria: ACMG Guidelines, 2015. Collection method: clinical testing. Allele origin: germline.

GeneDx
Classification: Likely benign. Last evaluated: 2017-07-10. Review status: criteria provided, single submitter. Criteria: GeneDx Variant Classification (06012015). Collection method: clinical testing. Allele origin: germline. Affected: yes.
Comment: This variant is considered likely benign or benign based on one or more of the following criteria: it is a conservative change, it occurs at a poorly conserved position in the protein, it is predicted to be benign by multiple in silico algorithms, and/or has population frequency not consistent with disease.